The following is an entry in ClinVar:

NM_015047.3(EMC1):c.1071G>A (p.Ser357=)

Genes: EMC1 (ER membrane protein complex subunit 1; minus strand), EMC1-AS1 (EMC1 antisense RNA 1; plus strand). Cytogenetic location: 1p36.13.
Variant type: single nucleotide variant.
Coding change: c.1071G>A on transcript NM_015047.3 (MANE Select); coding-DNA position 1071, G replaced by A.
Protein change: p.Ser357=; no amino-acid change (serine 357 retained).
Molecular consequence: synonymous variant.
Genome position (GRCh38, 1-based): chr1:19,238,813, C>T on the plus strand (G>A on the coding strand, the complement: EMC1 is on the minus strand). VCF-style: chr1-19238813-C-T. GRCh37 (hg19) VCF-style: chr1-19565307-C-T.
Other names: c.1068G>A, p.Ser356= (NM_001271427.2, NM_001375821.1); c.1071G>A, p.Ser357= (NM_001271428.2, NM_001375820.1); c.1005G>A, p.Ser335= (NM_001271429.2).
Identifiers: ClinVar variation 724128 (VCV000724128.35), dbSNP rs143891566, ClinGen allele CA652693.

ClinVar aggregate classification (germline): Likely benign. Review status: criteria provided, multiple submitters, no conflicts (2 of 4 stars). 3 submissions from 3 submitters: Likely benign (3). Last evaluated 2026-01-11.

Allele frequency attached by ClinVar (database versions not stated): 1000 Genomes Project 30x 0.00016; gnomAD 0.00019 and 0.00021; 1000 Genomes Project 0.00020; gnomAD exomes 0.00022 and 0.00029; TOPMed 0.00023; ExAC 0.00028; ESP Exome Variant Server 0.00054.

Submissions (3):

Labcorp Genetics (formerly Invitae), Labcorp
Classification: Likely benign. Last evaluated: 2026-01-11. Review status: criteria provided, single submitter. Criteria: Invitae Variant Classification Sherloc (09022015). Collection method: clinical testing. Allele origin: germline.

Blueprint Genetics
Classification: Likely benign. Last evaluated: 2024-11-01. Review status: criteria provided, single submitter. Criteria: ACMG Guidelines, 2015. Collection method: clinical testing. Allele origin: germline.

CeGaT Center for Human Genetics Tuebingen
Classification: Likely benign. Last evaluated: 2022-12-01. Review status: criteria provided, single submitter. Criteria: CeGaT Center For Human Genetics Tuebingen Variant Classification Criteria Version 2. Collection method: clinical testing. Allele origin: germline. Affected: yes. Observed: 2 variant alleles.
Comment: EMC1: BP4, BP7